The following is an entry in ClinVar:

NM_198576.4(AGRN):c.4002C>G (p.Asp1334Glu)

Gene: AGRN (agrin; plus strand). Cytogenetic location: 1p36.33.
Variant type: single nucleotide variant.
Coding change: c.4002C>G on transcript NM_198576.4 (MANE Select); coding-DNA position 4002, C replaced by G.
Protein change: p.Asp1334Glu; replaces aspartic acid 1334 with glutamic acid.
Molecular consequence: missense variant.
Genome position (GRCh38, 1-based): chr1:1,048,262, C>G. VCF-style: chr1-1048262-C-G. GRCh37 (hg19) VCF-style: chr1-983642-C-G.
Other names: c.4002C>G, p.Asp1334Glu (NM_001305275.2); c.3687C>G, p.Asp1229Glu (NM_001364727.2); short protein forms D1229E, D1334E.
Identifiers: ClinVar variation 3254666 (VCV003254666.1), dbSNP rs774871795.

ClinVar aggregate classification (germline): Uncertain significance (1 of 4 stars; one submission).

Conditions:
Congenital myasthenic syndrome 8. Also called: MYASTHENIC SYNDROME, CONGENITAL, DUE TO AGRIN DEFICIENCY; Myasthenic syndrome, congenital, 8, with pre- and postsynaptic defects. Identifiers: Orphanet 590, MedGen C3808739, MONDO:0014052, OMIM 615120.

Allele frequency attached by ClinVar (database versions not stated): TOPMed below 0.00001.

Submission:

Victorian Clinical Genetics Services, Murdoch Childrens Research Institute
Classification: Uncertain significance for Congenital myasthenic syndrome 8. Last evaluated: 2022-02-02. Review status: criteria provided, single submitter. Criteria: ACMG Guidelines, 2015. Collection method: clinical testing. Allele origin: germline. Inheritance: Autosomal recessive inheritance.
Comment: Based on the classification scheme VCGS_Germline_v1.3.4, this variant is classified as VUS-3C. Following criteria are met: 0102 - Loss of function is a known mechanism of disease in this gene and is associated with congenital myasthenic syndrome, congenital, 8, with pre- and postsynaptic defects (MIM#615120). (I) 0106 - This gene is associated with autosomal recessive disease. (I) 0115 - Variants in this gene are known to have variable expressivity. Severity and course of disease can be highly variable (GeneReviews). (I) 0200 - Variant is predicted to result in a missense amino acid change from aspartic acid to glutamic acid. (I) 0252 - This variant is homozygous. (I) 0301 - Variant is absent from gnomAD (both v2 and v3). (SP) 0503 - Missense variant consistently predicted to be tolerated by multiple in silico tools or not conserved in placental mammals with a minor amino acid change. (SB) 0604 - Variant is not located in an established domain, motif, hotspot or informative constraint region. (I) 0705 - No comparable missense variants have previous evidence for pathogenicity. (I) 0807 - This variant has no previous evidence of pathogenicity. (I) 0905 - No published segregation evidence has been identified for this variant. (I) 1007 - No published functional evidence has been identified for this variant.